The following is an entry in ClinVar:

ClinVar aggregate classification (germline): Uncertain significance (1 of 4 stars; one submission).

Conditions:
Inborn genetic diseases. Identifiers: MedGen C0950123, MeSH D030342.

Submission:

Ambry Genetics
Classification: Uncertain significance for Inborn genetic diseases. Last evaluated: 2026-06-14. Review status: criteria provided, single submitter. Criteria: Ambry Variant Classification Scheme 2023. Collection method: clinical testing. Allele origin: germline.
Comment: The p.T171S variant (also known as c.511A>T), located in coding exon 1 of the WT1 gene, results from an A to T substitution at nucleotide position 511. The threonine at codon 171 is replaced by serine, an amino acid with similar properties. This amino acid position is conserved. In addition, this alteration is predicted to be tolerated by in silico analysis. Based on the available evidence, the clinical significance of this variant remains unclear.

NM_024426.6(WT1):c.526A>T (p.Thr176Ser)

Genes: WT1 (WT1 transcription factor; minus strand), LOC107982234 (WT1/WT1-AS bi-directional promoter region; plus strand). Cytogenetic location: 11p13.
Variant type: single nucleotide variant.
Coding change: c.526A>T on transcript NM_024426.6 (MANE Select); coding-DNA position 526, A replaced by T.
Protein change: p.Thr176Ser; replaces threonine 176 with serine.
Molecular consequence: missense variant. On other transcripts: non-coding transcript variant (2).
Genome position (GRCh38, 1-based): chr11:32,434,835, T>A on the plus strand (A>T on the coding strand, the complement: WT1 is on the minus strand). VCF-style: chr11-32434835-T-A. GRCh37 (hg19) VCF-style: chr11-32456381-T-A.
Other names: c.526A>T, p.Thr176Ser (NM_000378.6, NM_001407044.1, NM_001407045.1 and 6 more transcripts); c.307A>T, p.Thr103Ser (NM_001429031.1, NM_001429032.1, NM_001429033.1 and 1 more transcripts); short protein forms T103S, T171S, T176S.
Identifiers: ClinVar variation 4866821 (VCV004866821.1).
Genomic context (GRCh38, chr11:32,434,835, plus strand): 5'-CGGATGACGCCTGGCTGGGCGGAGGAGGACCGAAGGGCCCGTAGCGACAGGCTCCGGCTG[T>A]GCCAGTGAACTGGCCGGAAAAGTGGACAGTGAAGGCGCTCAGGCACTGCTCCTCGTGCGG-3'
Protein context (NP_077744.4, residues 166-186): TVHFSGQFTG[Thr176Ser]AGACRYGPFG